The following is an entry in ClinVar:

ClinVar aggregate classification (germline): Uncertain significance. Review status: criteria provided, multiple submitters, no conflicts (2 of 4 stars). 2 submissions from 2 submitters: Uncertain significance (2). Last evaluated 2024-03-19.

Conditions:
Inborn genetic diseases. Identifiers: MedGen C0950123, MeSH D030342.
Glycogen storage disease XV (GSD15). Also called: GLYCOGENIN DEFICIENCY; GSD XV. Identifiers: Orphanet 263297, MedGen C3150754, MONDO:0013291, OMIM 613507.
Polyglucosan body myopathy type 2. Identifiers: Orphanet 456369, MedGen C4015452, MONDO:0014526, OMIM 616199.

Allele frequency attached by ClinVar (database versions not stated): ExAC 0.00002; gnomAD exomes 0.00002; ESP Exome Variant Server 0.00008; TOPMed 0.00011; gnomAD 0.00012 and 0.00013; 1000 Genomes Project 30x 0.00016; 1000 Genomes Project 0.00020.

Submissions (2):

Ambry Genetics
Classification: Uncertain significance for Inborn genetic diseases. Last evaluated: 2024-03-19. Review status: criteria provided, single submitter. Criteria: Ambry Variant Classification Scheme 2023. Collection method: clinical testing. Allele origin: germline.

Labcorp Genetics (formerly Invitae), Labcorp
Classification: Uncertain significance for Polyglucosan body myopathy type 2; Glycogen storage disease XV. Last evaluated: 2022-07-19. Review status: criteria provided, single submitter. Criteria: Invitae Variant Classification Sherloc (09022015). Collection method: clinical testing. Allele origin: germline.
Comment: This sequence change replaces aspartic acid, which is acidic and polar, with histidine, which is basic and polar, at codon 295 of the GYG1 protein (p.Asp295His). This variant is present in population databases (rs202085215, gnomAD 0.04%). This variant has not been reported in the literature in individuals affected with GYG1-related conditions. ClinVar contains an entry for this variant (Variation ID: 1371072). Algorithms developed to predict the effect of missense changes on protein structure and function output the following: SIFT: "Tolerated"; PolyPhen-2: "Benign"; Align-GVGD: "Class C0". The histidine amino acid residue is found in multiple mammalian species, which suggests that this missense change does not adversely affect protein function. Algorithms developed to predict the effect of sequence changes on RNA splicing suggest that this variant may disrupt the consensus splice site. In summary, the available evidence is currently insufficient to determine the role of this variant in disease. Therefore, it has been classified as a Variant of Uncertain Significance.

NM_004130.4(GYG1):c.883G>C (p.Asp295His)

Gene: GYG1 (glycogenin 1; plus strand). Cytogenetic location: 3q24.
Variant type: single nucleotide variant.
Coding change: c.883G>C on transcript NM_004130.4 (MANE Select); coding-DNA position 883, G replaced by C.
Protein change: p.Asp295His; replaces aspartic acid 295 with histidine.
Molecular consequence: missense variant.
Genome position (GRCh38, 1-based): chr3:149,026,763, G>C. VCF-style: chr3-149026763-G-C. GRCh37 (hg19) VCF-style: chr3-148744550-G-C.
Other names: c.883G>C (NM_004130.3); c.832G>C, p.Asp278His (NM_001184720.2); c.612G>C, p.Lys204Asn (NM_001184721.2); short protein forms D295H, K204N, D278H.
Identifiers: ClinVar variation 1371072 (VCV001371072.4), dbSNP rs202085215, ClinGen allele CA2658705.